The following is an entry in ClinVar:

ClinVar aggregate classification (germline): Likely pathogenic (1 of 4 stars; one submission).

Submission:

Greenwood Genetic Center Diagnostic Laboratories, Greenwood Genetic Center
Classification: Likely pathogenic. Last evaluated: 2022-09-22. Review status: criteria provided, single submitter. Criteria: ACMG Guidelines, 2015. Collection method: clinical testing. Allele origin: germline. Affected: yes.
Comment: PS2, PM2

NM_001282116.2(RFX3):c.973+3A>G

Gene: RFX3 (regulatory factor X3; minus strand). Cytogenetic location: 9p24.2.
Variant type: single nucleotide variant.
Coding change: c.973+3A>G on transcript NM_001282116.2 (MANE Select); 3 bases into the intron after coding-DNA position 973, A replaced by G.
Molecular consequence: intron variant.
Genome position (GRCh38, 1-based): chr9:3,277,337, T>C on the plus strand (A>G on the coding strand, the complement: RFX3 is on the minus strand). VCF-style: chr9-3277337-T-C. GRCh37 (hg19) VCF-style: chr9-3277337-T-C.
Other names: c.973+3A>G (NM_001377999.1, NM_134428.3, NM_002919.4 and 1 more transcripts).
Identifiers: ClinVar variation 1710415 (VCV001710415.3), dbSNP rs2489677535, ClinGen allele CA2580080282.